The following is an entry in ClinVar:

NM_017852.5(NLRP2):c.627G>T (p.Val209=)

Gene: NLRP2 (NLR family pyrin domain containing 2; plus strand). Cytogenetic location: 19q13.42.
Variant type: single nucleotide variant.
Coding change: c.627G>T on transcript NM_017852.5 (MANE Select); coding-DNA position 627, G replaced by T.
Protein change: p.Val209=; no amino-acid change (valine 209 retained).
Molecular consequence: synonymous variant. On other transcripts: non-coding transcript variant (1).
Genome position (GRCh38, 1-based): chr19:54,982,325, G>T. VCF-style: chr19-54982325-G-T. GRCh37 (hg19) VCF-style: chr19-55493693-G-T.
Other names: c.627G>T, p.Val209= (NM_001174081.3); c.561G>T, p.Val187= (NM_001174082.3); c.558G>T, p.Val186= (NM_001174083.2); c.618G>T, p.Val206= (NM_001348003.2).
Identifiers: ClinVar variation 2650499 (VCV002650499.24), dbSNP rs371774202, ClinGen allele CA2695201369.

ClinVar aggregate classification (germline): Likely benign (1 of 4 stars; one submission).

Submission:

CeGaT Center for Human Genetics Tuebingen
Classification: Likely benign. Last evaluated: 2023-01-01. Review status: criteria provided, single submitter. Criteria: CeGaT Center For Human Genetics Tuebingen Variant Classification Criteria Version 2. Collection method: clinical testing. Allele origin: germline. Affected: yes. Observed: 1 variant allele.
Comment: NLRP2: PM2:Supporting, BP4, BP7